The following is an entry in ClinVar:

ClinVar aggregate classification (germline): Likely pathogenic (1 of 4 stars; one submission).

Conditions:
Cardiovascular phenotype. Identifiers: MedGen CN230736.

Submission:

Molecular Diagnostic Laboratory for Inherited Cardiovascular Disease, Montreal Heart Institute
Classification: Likely pathogenic for Cardiovascular phenotype. Last evaluated: 2024-02-02. Review status: criteria provided, single submitter. Criteria: ACMG Guidelines, 2015. Collection method: clinical testing. Allele origin: germline. Affected: yes.
Comment: PVS1, PM2

NM_001458.5(FLNC):c.2293G>T (p.Glu765Ter)

Gene: FLNC (filamin C; plus strand). Cytogenetic location: 7q32.1.
Variant type: single nucleotide variant.
Coding change: c.2293G>T on transcript NM_001458.5 (MANE Select); coding-DNA position 2293, G replaced by T.
Protein change: p.Glu765Ter; replaces glutamic acid 765 with a stop codon.
Molecular consequence: nonsense.
Genome position (GRCh38, 1-based): chr7:128,842,602, G>T. VCF-style: chr7-128842602-G-T. GRCh37 (hg19) VCF-style: chr7-128482656-G-T.
Other names: c.2293G>T, p.Glu765Ter (NM_001127487.2); short protein forms E765*.
Identifiers: ClinVar variation 3895134 (VCV003895134.1).